The following is an entry in ClinVar:

NM_000925.4(PDHB):c.435= (p.Arg145=)

Gene: PDHB (pyruvate dehydrogenase E1 subunit beta; minus strand). Cytogenetic location: 3p14.3.
Variant type: single nucleotide variant.
Coding change: c.435= on transcript NM_000925.4 (MANE Select); coding-DNA position 435, no change from the reference sequence.
Protein change: p.Arg145=; no amino-acid change (arginine 145 retained).
Molecular consequence: no sequence alteration. On other transcripts: non-coding transcript variant (1), intron variant (1).
Genome position: GRCh38 VCF-style: chr3-58430811-T-T. GRCh37 (hg19) VCF-style: chr3-58416538-T-T.
Other names: p.R145R:AGG>AGA; c.381=, p.Arg127= (NM_001315536.2); c.404-23= (NM_001173468.2).
Identifiers: ClinVar variation 138652 (VCV000138652.11), dbSNP rs1438518070.

ClinVar aggregate classification (germline): Benign. Review status: criteria provided, multiple submitters, no conflicts (2 of 4 stars). 2 submissions from 2 submitters: Benign (2). Last evaluated 2026-02-01.

Conditions:
Pyruvate dehydrogenase E1-beta deficiency (PDHBD). Identifiers: Orphanet 255138, Orphanet 765, MedGen C3279841, MONDO:0013580, OMIM 614111.

Allele frequency attached by ClinVar (database versions not stated): gnomAD exomes 0.00161 and 0.00415; ExAC 0.00519; 1000 Genomes Project 0.01518; gnomAD 0.01529 and 0.01648; 1000 Genomes Project 30x 0.01546; TOPMed 0.01738; ESP Exome Variant Server 0.02030.

Submissions (2):

Labcorp Genetics (formerly Invitae), Labcorp
Classification: Benign for Pyruvate dehydrogenase E1-beta deficiency. Last evaluated: 2026-02-01. Review status: criteria provided, single submitter. Criteria: Invitae Variant Classification Sherloc (09022015). Collection method: clinical testing. Allele origin: germline.

GeneDx
Classification: Benign. Last evaluated: 2012-11-06. Review status: criteria provided, single submitter. Criteria: GeneDx Variant Classification (06012015). Collection method: clinical testing. Allele origin: germline. Affected: yes.
Comment: This variant is considered likely benign or benign based on one or more of the following criteria: it is a conservative change, it occurs at a poorly conserved position in the protein, it is predicted to be benign by multiple in silico algorithms, and/or has population frequency not consistent with disease.